The following is an entry in ClinVar:

NM_003630.3(PEX3):c.288-3T>C

Gene: PEX3 (peroxisomal biogenesis factor 3; plus strand). Cytogenetic location: 6q24.2.
Variant type: single nucleotide variant.
Coding change: c.288-3T>C on transcript NM_003630.3 (MANE Select); 3 bases into the intron before coding-DNA position 288, T replaced by C.
Molecular consequence: intron variant.
Genome position (GRCh38, 1-based): chr6:143,468,119, T>C. VCF-style: chr6-143468119-T-C. GRCh37 (hg19) VCF-style: chr6-143789256-T-C.
Other names: c.288-3T>C (NM_003630.2).
Identifiers: ClinVar variation 1990585 (VCV001990585.3), dbSNP rs767885924, ClinGen allele CA4029530.

ClinVar aggregate classification (germline): Uncertain significance. Review status: criteria provided, single submitter (1 of 4 stars). 2 submissions from 2 submitters: Uncertain significance (1). 1 of the submissions does not count toward it. Last evaluated 2022-06-01.

Conditions:
PEX3-related disorder. Also called: PEX3-related condition.

Allele frequency attached by ClinVar (database versions not stated): TOPMed below 0.00001; gnomAD 0.00001; ExAC 0.00002; gnomAD exomes 0.00002.
gnomAD v4.1: 29 of 1,525,356 alleles (0.0019%); highest among the groups gnomAD compares: Non-Finnish European, 0.0023%; no homozygotes.

Submissions (2):

Labcorp Genetics (formerly Invitae), Labcorp
Classification: Uncertain significance. Last evaluated: 2022-06-01. Review status: criteria provided, single submitter. Criteria: Invitae Variant Classification Sherloc (09022015). Collection method: clinical testing. Allele origin: germline.
Comment: This sequence change falls in intron 3 of the PEX3 gene. It does not directly change the encoded amino acid sequence of the PEX3 protein. It affects a nucleotide within the consensus splice site. This variant is present in population databases (rs767885924, gnomAD 0.01%). This variant has not been reported in the literature in individuals affected with PEX3-related conditions. Variants that disrupt the consensus splice site are a relatively common cause of aberrant splicing (PMID: 17576681, 9536098). Algorithms developed to predict the effect of sequence changes on RNA splicing suggest that this variant is not likely to affect RNA splicing. In summary, the available evidence is currently insufficient to determine the role of this variant in disease. Therefore, it has been classified as a Variant of Uncertain Significance.

PreventionGenetics, part of Exact Sciences
Classification: Likely benign for PEX3-related condition. Last evaluated: 2023-10-18. Review status: no assertion criteria provided. Collection method: clinical testing. Allele origin: germline. Not counted in ClinVar's aggregate classification.
Comment: This variant is classified as likely benign based on ACMG/AMP sequence variant interpretation guidelines (Richards et al. 2015 PMID: 25741868, with internal and published modifications).

Literature cited by the submitters: PubMed 17576681 (cited by Labcorp Genetics (formerly Invitae), Labcorp); PubMed 9536098 (cited by Labcorp Genetics (formerly Invitae), Labcorp).